The following is an entry in ClinVar:

ClinVar aggregate classification (germline): Conflicting classifications of pathogenicity. Review status: criteria provided, conflicting classifications (1 of 4 stars). 3 submissions from 3 submitters: Uncertain significance (2); Likely benign (1). Last evaluated 2025-12-08.

Conditions:
OTOF-related disorder. Also called: OTOF-related condition.

Allele frequency attached by ClinVar (database versions not stated): gnomAD 0.00009 and 0.00012; gnomAD exomes 0.00010; TOPMed 0.00010; ExAC 0.00014; ESP Exome Variant Server 0.00023; 1000 Genomes Project 30x 0.00031; 1000 Genomes Project 0.00040.
gnomAD v4.1: 161 of 1,488,072 alleles (0.011%); highest among the groups gnomAD compares: South Asian, 0.022%; 1 homozygote.

Submissions (3):

Labcorp Genetics (formerly Invitae), Labcorp
Classification: Likely benign. Last evaluated: 2025-12-08. Review status: criteria provided, single submitter. Criteria: Invitae Variant Classification Sherloc (09022015). Collection method: clinical testing. Allele origin: germline.

PreventionGenetics, part of Exact Sciences
Classification: Uncertain significance for OTOF-related condition. Last evaluated: 2025-08-28. Review status: criteria provided, single submitter. Criteria: ACMG Guidelines, 2015. Collection method: clinical testing. Allele origin: germline.
Comment: The OTOF c.4820G>A variant is predicted to result in the amino acid substitution p.Arg1607Gln. This variant was reported in heterozygous state in an individual with hearing loss, however it is unclear whether second OTOF variant was present (Table 3, Gao et al. 2021. PubMed ID: 34403091). This variant is reported in 0.042% of alleles in individuals of African descent in gnomAD. At this time, the clinical significance of this variant is uncertain due to the absence of conclusive functional and genetic evidence.

Eurofins Ntd Llc (ga)
Classification: Uncertain significance. Last evaluated: 2014-12-10. Review status: criteria provided, single submitter. Criteria: EGL Classification Definitions 2015. Collection method: clinical testing. Allele origin: germline. Observed: 1 variant allele, 1 heterozygote.

NM_194248.3(OTOF):c.4820G>A (p.Arg1607Gln)

Gene: OTOF (otoferlin; minus strand). Cytogenetic location: 2p23.3.
Variant type: single nucleotide variant.
Coding change: c.4820G>A on transcript NM_194248.3 (MANE Select); coding-DNA position 4820, G replaced by A.
Protein change: p.Arg1607Gln; replaces arginine 1607 with glutamine.
Molecular consequence: missense variant.
Genome position (GRCh38, 1-based): chr2:26,465,009, C>T on the plus strand (G>A on the coding strand, the complement: OTOF is on the minus strand). VCF-style: chr2-26465009-C-T. GRCh37 (hg19) VCF-style: chr2-26687877-C-T.
Other names: c.4820G>A, p.Arg1607Gln (NM_001287489.2); c.2519G>A, p.Arg840Gln (NM_004802.4, NM_194323.3); c.2750G>A, p.Arg917Gln (NM_194322.3); c.4820G>A (NM_194248.2); short protein forms R1607Q, R917Q, R840Q.
Identifiers: ClinVar variation 197091 (VCV000197091.9), dbSNP rs141800430, ClinGen allele CA245041.